The following is an entry in ClinVar:

NM_001110556.2(FLNA):c.3088G>C (p.Val1030Leu)

Gene: FLNA (filamin A; minus strand). Cytogenetic location: Xq28.
Variant type: single nucleotide variant.
Coding change: c.3088G>C on transcript NM_001110556.2 (MANE Select); coding-DNA position 3088, G replaced by C.
Protein change: p.Val1030Leu; replaces valine 1030 with leucine.
Molecular consequence: missense variant.
Genome position (GRCh38, 1-based): chrX:154,361,427, C>G on the plus strand (G>C on the coding strand, the complement: FLNA is on the minus strand). VCF-style: chrX-154361427-C-G. GRCh37 (hg19) VCF-style: chrX-153589795-C-G.
Other names: c.3088G>C, p.Val1030Leu (NM_001456.4); short protein forms V1030L.
Identifiers: ClinVar variation 3748614 (VCV003748614.2).

ClinVar aggregate classification (germline): Uncertain significance (1 of 4 stars; one submission).

Conditions:
Melnick-Needles syndrome (MNS). Also called: MELNICK-NEEDLES OSTEODYSPLASTY; OSTEODYSPLASTY OF MELNICK AND NEEDLES; Melnick-Needles Syndrome (FLNA-MNS). Identifiers: Orphanet 2484, MedGen C0025237, MONDO:0010650, OMIM 309350.
Frontometaphyseal dysplasia (FMD1). Identifiers: Orphanet 1826, MedGen C0265293, MONDO:0015942.
Heterotopia, periventricular, X-linked dominant (PVNH1). Also called: PERIVENTRICULAR NODULAR HETEROTOPIA 1; X-linked periventricular heterotopia; PERIVENTRICULAR NODULAR HETEROTOPIA 4; HETEROTOPIA, PERIVENTRICULAR, 1. Identifiers: Orphanet 2149, Orphanet 82004, MedGen C1848213, MONDO:0010233, OMIM 300049.
Oto-palato-digital syndrome, type II (OPD2). Also called: FACIOPALATOOSSEOUS SYNDROME; OPD II SYNDROME; Otopalatodigital Syndrome, Type II; Otopalatodigital Syndrome Type 2 (FLNA-OPD2). Identifiers: Orphanet 669, Orphanet 90652, MedGen C1844696, MONDO:0010571, OMIM 304120.

Submission:

Labcorp Genetics (formerly Invitae), Labcorp
Classification: Uncertain significance for Oto-palato-digital syndrome, type II; Heterotopia, periventricular, X-linked dominant; Frontometaphyseal dysplasia; Melnick-Needles syndrome. Last evaluated: 2024-06-10. Review status: criteria provided, single submitter. Criteria: Invitae Variant Classification Sherloc (09022015). Collection method: clinical testing. Allele origin: germline.
Comment: This sequence change replaces valine, which is neutral and non-polar, with leucine, which is neutral and non-polar, at codon 1030 of the FLNA protein (p.Val1030Leu). This variant is not present in population databases (gnomAD no frequency). This variant has not been reported in the literature in individuals affected with FLNA-related conditions. Advanced modeling of protein sequence and biophysical properties (such as structural, functional, and spatial information, amino acid conservation, physicochemical variation, residue mobility, and thermodynamic stability) performed at Invitae indicates that this missense variant is not expected to disrupt FLNA protein function with a negative predictive value of 95%. In summary, the available evidence is currently insufficient to determine the role of this variant in disease. Therefore, it has been classified as a Variant of Uncertain Significance.